The following is an entry in ClinVar:

NM_000719.7(CACNA1C):c.4727-231T>C

Gene: CACNA1C (calcium voltage-gated channel subunit alpha1 C; plus strand). Cytogenetic location: 12p13.33.
Variant type: single nucleotide variant.
Coding change: c.4727-231T>C on transcript NM_000719.7 (MANE Select); 231 bases into the intron before coding-DNA position 4727, T replaced by C.
Molecular consequence: intron variant.
Genome position (GRCh38, 1-based): chr12:2,674,310, T>C. VCF-style: chr12-2674310-T-C. GRCh37 (hg19) VCF-style: chr12-2783476-T-C.
Other names: c.4727-231T>C (NM_001167624.3, NM_001167623.2, NM_001129840.2 and 4 more transcripts); c.4694-231T>C (NM_001167625.2, NM_001129846.2); c.4871-231T>C (NM_199460.4, NM_001129827.2); c.4787-231T>C (NM_001129832.2); c.4811-231T>C (NM_001129831.2); c.4727-174T>C (NM_001129833.2, NM_001129834.2, NM_001129835.2); c.4793-174T>C (NM_001129829.2); c.4694-174T>C (NM_001129837.2, NM_001129838.2); and 3 more.
Identifiers: ClinVar variation 671810 (VCV000671810.9), dbSNP rs7136355, ClinGen allele CA15750196.
Genomic context (GRCh38, chr12:2,674,310, plus strand): 5'-GGTGGAGGGGCCCCCTGGCTGGCCTGAGCCACAGGCAGGGGGAAGGGGACAGGAATGGCA[T>C]TGGACGGGGCACAAGAGGGAAGGGGGAAGGAAGGAAGGTGGACAGAGGAAGGGGAAGAGG-3'

ClinVar aggregate classification (germline): Benign. Review status: criteria provided, multiple submitters, no conflicts (2 of 4 stars). 4 submissions from 4 submitters: Benign (4). Last evaluated 2021-07-14.

Conditions:
Long QT syndrome (LQTS). Identifiers: MedGen C0023976, MeSH D008133, MONDO:0002442. Disease mechanism: loss of function. Inheritance: Various modes of inheritance.
Timothy syndrome (TS). Also called: LONG QT SYNDROME WITH SYNDACTYLY. Identifiers: Orphanet 65283, MedGen C1832916, MeSH C536962, MONDO:0010979, OMIM 601005.

Allele frequency attached by ClinVar (database versions not stated): 1000 Genomes Project 0.72464; 1000 Genomes Project 30x 0.72783; TOPMed 0.74836; gnomAD 0.76028 and 0.76312.
gnomAD v4.1: 115,933 of 152,102 alleles (76%); highest among the groups gnomAD compares: South Asian, 85%; 44,683 homozygotes.

Submissions (4):

Genome-Nilou Lab
Classification: Benign for Timothy syndrome. Last evaluated: 2021-07-14. Review status: criteria provided, single submitter. Criteria: ACMG Guidelines, 2015. Collection method: clinical testing. Allele origin: germline. Affected: no.

Labcorp Genetics (formerly Invitae), Labcorp
Classification: Benign for Long QT syndrome. Last evaluated: 2019-12-31. Review status: criteria provided, single submitter. Criteria: Invitae Variant Classification Sherloc (09022015). Collection method: clinical testing. Allele origin: germline.

GeneDx
Classification: Benign. Last evaluated: 2018-06-14. Review status: criteria provided, single submitter. Criteria: GeneDx Variant Classification (06012015). Collection method: clinical testing. Allele origin: germline. Affected: yes.
Comment: This variant is considered likely benign or benign based on one or more of the following criteria: it is a conservative change, it occurs at a poorly conserved position in the protein, it is predicted to be benign by multiple in silico algorithms, and/or has population frequency not consistent with disease.

Breakthrough Genomics
Classification: Benign. Review status: criteria provided, single submitter. Criteria: ACMG Guidelines, 2015. Collection method: not provided. Allele origin: germline. Inheritance: Autosomal dominant inheritance. Affected: yes.